The following is an entry in ClinVar:

ClinVar aggregate classification (germline): Uncertain significance (1 of 4 stars; one submission).

gnomAD v4.1: 3 of 1,613,482 alleles (0.00019%); highest among the groups gnomAD compares: Non-Finnish European, 0.00025%; no homozygotes.

Submission:

GeneDx
Classification: Uncertain significance. Last evaluated: 2026-02-05. Review status: criteria provided, single submitter. Criteria: GeneDx Variant Classification Process June 2021. Collection method: clinical testing. Allele origin: germline.
Comment: Not observed at significant frequency in large population cohorts (gnomAD); In silico analysis supports that this missense variant has a deleterious effect on protein structure/function; Has not been previously published as pathogenic or benign to our knowledge

NM_001369.3(DNAH5):c.1070C>G (p.Pro357Arg)

Gene: DNAH5 (dynein axonemal heavy chain 5; minus strand). Cytogenetic location: 5p15.2.
Variant type: single nucleotide variant.
Coding change: c.1070C>G on transcript NM_001369.3 (MANE Select); coding-DNA position 1070, C replaced by G.
Protein change: p.Pro357Arg; replaces proline 357 with arginine.
Molecular consequence: missense variant.
Genome position (GRCh38, 1-based): chr5:13,917,162, G>C on the plus strand (C>G on the coding strand, the complement: DNAH5 is on the minus strand). VCF-style: chr5-13917162-G-C. GRCh37 (hg19) VCF-style: chr5-13917271-G-C.
Other names: short protein forms P357R.
Identifiers: ClinVar variation 4975665 (VCV004975665.1).